The following is an entry in ClinVar:

NM_001029896.2(WDR45):c.337G>A (p.Asp113Asn)

Gene: WDR45 (WD repeat domain 45; minus strand). Cytogenetic location: Xp11.23.
Variant type: single nucleotide variant.
Coding change: c.337G>A on transcript NM_001029896.2 (MANE Select); coding-DNA position 337, G replaced by A.
Protein change: p.Asp113Asn; replaces aspartic acid 113 with asparagine.
Molecular consequence: missense variant.
Genome position (GRCh38, 1-based): chrX:49,076,649, C>T on the plus strand (G>A on the coding strand, the complement: WDR45 is on the minus strand). VCF-style: chrX-49076649-C-T. GRCh37 (hg19) VCF-style: chrX-48934308-C-T.
Other names: c.340G>A, p.Asp114Asn (NM_007075.4); short protein forms D114N, D113N.
Identifiers: ClinVar variation 511357 (VCV000511357.42), dbSNP rs376936511, ClinGen allele CA10408565.

ClinVar aggregate classification (germline): Benign/Likely benign. Review status: criteria provided, multiple submitters, no conflicts (2 of 4 stars). 7 submissions from 7 submitters: Benign (1); Likely benign (5). 1 of the submissions does not count toward it. Last evaluated 2026-09-10.

Conditions:
Neurodegeneration with brain iron accumulation 5 (NBIA5). Also called: STATIC ENCEPHALOPATHY OF CHILDHOOD WITH NEURODEGENERATION IN ADULTHOOD; Beta-propeller protein-associated neurodegeneration. Identifiers: Orphanet 329284, MedGen C3550973, MONDO:0010476, OMIM 300894.
WDR45-related disorder. Also called: WDR45-related condition.
Inborn genetic diseases. Identifiers: MedGen C0950123, MeSH D030342.

Allele frequency attached by ClinVar (database versions not stated): gnomAD exomes 0.00003 and 0.00009; ExAC 0.00004; TOPMed 0.00006; gnomAD 0.00010; ESP Exome Variant Server 0.00019.
gnomAD v4.1: 107 of 1,208,715 alleles (0.0089%); highest among the groups gnomAD compares: Non-Finnish European, 0.011%; no homozygotes.

Submissions (7):

Ambry Genetics
Classification: Likely benign for Inborn genetic diseases. Last evaluated: 2026-09-10. Review status: criteria provided, single submitter. Criteria: Ambry Variant Classification Scheme 2023. Collection method: clinical testing. Allele origin: germline.

Women's Health and Genetics/Laboratory Corporation of America, LabCorp
Classification: Likely benign. Last evaluated: 2026-04-15. Review status: criteria provided, single submitter. Criteria: LabCorp Variant Classification Summary - May 2015. Collection method: clinical testing. Allele origin: germline.
Comment: Variant summary: WDR45 c.340G>A (p.Asp114Asn) results in a conservative amino acid change in the encoded protein sequence. Algorithms developed to predict the effect of missense changes on protein structure and function are either unavailable or do not agree on the potential impact of this missense change. The variant allele was found at a frequency of 2.8e-05 in 179350 control chromosomes. The available data on variant occurrences in the general population are insufficient to allow any conclusion about variant significance. To our knowledge, no occurrence of c.340G>A in individuals affected with WDR45-related conditions and no experimental evidence demonstrating its impact on protein function have been reported. ClinVar contains an entry for this variant (Variation ID: 511357). Based on the evidence outlined above, the variant was classified as likely benign.

Labcorp Genetics (formerly Invitae), Labcorp
Classification: Benign for Neurodegeneration with brain iron accumulation 5. Last evaluated: 2025-08-29. Review status: criteria provided, single submitter. Criteria: Invitae Variant Classification Sherloc (09022015). Collection method: clinical testing. Allele origin: germline.

CeGaT Center for Human Genetics Tuebingen
Classification: Likely benign. Last evaluated: 2023-07-01. Review status: criteria provided, single submitter. Criteria: CeGaT Center For Human Genetics Tuebingen Variant Classification Criteria Version 2. Collection method: clinical testing. Allele origin: germline. Affected: yes. Observed: 2 variant alleles.
Comment: WDR45: BS2

GeneDx
Classification: Likely benign. Last evaluated: 2019-08-08. Review status: criteria provided, single submitter. Criteria: GeneDx Variant Classification Process June 2021. Collection method: clinical testing. Allele origin: germline. Affected: yes.

Breakthrough Genomics
Classification: Likely benign. Review status: criteria provided, single submitter. Criteria: ACMG Guidelines, 2015. Collection method: not provided. Allele origin: germline. Inheritance: X-linked inheritance. Affected: yes.

PreventionGenetics, part of Exact Sciences
Classification: Likely benign for WDR45-related condition. Last evaluated: 2024-03-05. Review status: no assertion criteria provided. Collection method: clinical testing. Allele origin: germline. Not counted in ClinVar's aggregate classification.
Comment: This variant is classified as likely benign based on ACMG/AMP sequence variant interpretation guidelines (Richards et al. 2015 PMID: 25741868, with internal and published modifications).